The following is an entry in ClinVar:

ClinVar aggregate classification (germline): Uncertain significance. Review status: criteria provided, multiple submitters, no conflicts (2 of 4 stars). 2 submissions from 2 submitters: Uncertain significance (2). Last evaluated 2024-03-06.

Conditions:
Cardiomyopathy (CMYO). Also called: Cardiomyopathies. Identifiers: Orphanet 167848, MedGen C0878544, MONDO:0004994, HP:0001638. Inheritance: Various modes of inheritance.
Hypertrophic cardiomyopathy. Also called: HYPERTROPHIC MYOCARDIOPATHY. Identifiers: Orphanet 217569, MedGen C0007194, MeSH D002312, MONDO:0005045, HP:0001639.

Allele frequency attached by ClinVar (database versions not stated): gnomAD exomes below 0.00001; ExAC 0.00001.
gnomAD v4.1: 3 of 1,585,798 alleles (0.00019%); highest among the groups gnomAD compares: South Asian, 0.0011%; no homozygotes.

Submissions (2):

Color Diagnostics, LLC DBA Color Health
Classification: Uncertain significance for Cardiomyopathy. Last evaluated: 2024-03-06. Review status: criteria provided, single submitter. Criteria: ACMG Guidelines, 2015. Collection method: clinical testing. Allele origin: germline.
Comment: This missense variant replaces glutamic acid with lysine at codon 1170 of the MYH7 protein. Computational prediction suggests that this variant may have deleterious impact on protein structure and function (internally defined REVEL score threshold >= 0.7, PMID: 27666373). To our knowledge, functional studies have not been reported for this variant. This variant has not been reported in individuals affected with cardiovascular disorders in the literature. This variant has been identified in 1/218448 chromosomes in the general population by the Genome Aggregation Database (gnomAD). The available evidence is insufficient to determine the role of this variant in disease conclusively. Therefore, this variant is classified as a Variant of Uncertain Significance.

Labcorp Genetics (formerly Invitae), Labcorp
Classification: Uncertain significance for Hypertrophic cardiomyopathy. Last evaluated: 2023-11-08. Review status: criteria provided, single submitter. Criteria: Invitae Variant Classification Sherloc (09022015). Collection method: clinical testing. Allele origin: germline.
Comment: This sequence change replaces glutamic acid, which is acidic and polar, with lysine, which is basic and polar, at codon 1170 of the MYH7 protein (p.Glu1170Lys). The frequency data for this variant in the population databases is considered unreliable, as metrics indicate poor data quality at this position in the gnomAD database. This variant has not been reported in the literature in individuals affected with MYH7-related conditions. ClinVar contains an entry for this variant (Variation ID: 1001687). Advanced modeling of protein sequence and biophysical properties (such as structural, functional, and spatial information, amino acid conservation, physicochemical variation, residue mobility, and thermodynamic stability) performed at Invitae indicates that this missense variant is expected to disrupt MYH7 protein function with a positive predictive value of 95%. In summary, the available evidence is currently insufficient to determine the role of this variant in disease. Therefore, it has been classified as a Variant of Uncertain Significance.

NM_000257.4(MYH7):c.3508G>A (p.Glu1170Lys)

Gene: MYH7 (myosin heavy chain 7; minus strand). Cytogenetic location: 14q11.2.
Variant type: single nucleotide variant.
Coding change: c.3508G>A on transcript NM_000257.4 (MANE Select); coding-DNA position 3508, G replaced by A.
Protein change: p.Glu1170Lys; replaces glutamic acid 1170 with lysine.
Molecular consequence: missense variant.
Genome position (GRCh38, 1-based): chr14:23,420,063, C>T on the plus strand (G>A on the coding strand, the complement: MYH7 is on the minus strand). VCF-style: chr14-23420063-C-T. GRCh37 (hg19) VCF-style: chr14-23889272-C-T.
Other names: short protein forms E1170K.
Identifiers: ClinVar variation 1001687 (VCV001001687.11), dbSNP rs750627218, ClinGen allele CA037712.
Genomic context (GRCh38, chr14:23,420,063, plus strand): 5'-CGGCAGTGGCCTCGTGCTGCAGCGTGGCCTCCTCCAGGTCCCGCCGCATCTTCTGGAACT[C>T]GGCCTCGCGCTTCTTGTTCATCTCGATCTGCACGGACGTGGCCCCGCCGGCCTCTTCCAG-3'
Protein context (NP_000248.2, residues 1160-1180): QIEMNKKREA[Glu1170Lys]FQKMRRDLEE